The following is an entry in ClinVar:

NM_001164508.2(NEB):c.25535G>A (p.Gly8512Asp)

Genes: NEB (nebulin; minus strand), RIF1 (replication timing regulatory factor 1; plus strand). Cytogenetic location: 2q23.3.
Variant type: single nucleotide variant.
Coding change: c.25535G>A on transcript NM_001164508.2 (MANE Select); coding-DNA position 25535, G replaced by A.
Protein change: p.Gly8512Asp; replaces glycine 8512 with aspartic acid.
Molecular consequence: missense variant.
Genome position (GRCh38, 1-based): chr2:151,485,803, C>T on the plus strand (G>A on the coding strand, the complement: NEB is on the minus strand). VCF-style: chr2-151485803-C-T. GRCh37 (hg19) VCF-style: chr2-152342317-C-T.
Other names: c.25535G>A, p.Gly8512Asp (NM_001164507.2); c.25640G>A, p.Gly8547Asp (NM_001271208.2); c.19967G>A, p.Gly6656Asp (NM_004543.5); short protein forms G6656D, G8547D, G8512D.
Identifiers: ClinVar variation 1378961 (VCV001378961.6), dbSNP rs2152614968, ClinGen allele CA348769613.
Genomic context (GRCh38, chr2:151,485,803, plus strand): 5'-GTGATGCTTTGAAATGCCTAAATAGCTTCAACGTAGTTGGCTGGGAGCATTCCGGTCCTG[C>T]CAGTCCTCTGCACAGTGCCATACATCCAGCCTTCATCAATTGCTTGAACATTTATGATGG-3'
Protein context (NP_001157980.2, residues 8502-8522): GWMYGTVQRT[Gly8512Asp]RTGMLPANYV

ClinVar aggregate classification (germline): Uncertain significance (1 of 4 stars; one submission).

Conditions:
Nemaline myopathy 2 (NEM2). Also called: Nemaline myopathy 2, autosomal recessive. Identifiers: MedGen C1850569, MONDO:0009725, OMIM 256030.

gnomAD v4.1: 1 of 1,613,500 alleles (0.000062%); highest among the groups gnomAD compares: Non-Finnish European, 0.000085%; no homozygotes.

Submission:

Labcorp Genetics (formerly Invitae), Labcorp
Classification: Uncertain significance for Nemaline myopathy 2. Last evaluated: 2023-05-23. Review status: criteria provided, single submitter. Criteria: Invitae Variant Classification Sherloc (09022015). Collection method: clinical testing. Allele origin: germline.
Comment: Experimental studies and prediction algorithms are not available or were not evaluated, and the functional significance of this variant is currently unknown. In summary, the available evidence is currently insufficient to determine the role of this variant in disease. Therefore, it has been classified as a Variant of Uncertain Significance. ClinVar contains an entry for this variant (Variation ID: 1378961). This sequence change replaces glycine, which is neutral and non-polar, with aspartic acid, which is acidic and polar, at codon 8547 of the NEB protein (p.Gly8547Asp). This variant is not present in population databases (gnomAD no frequency). This variant has not been reported in the literature in individuals affected with NEB-related conditions.